The following is an entry in ClinVar:

NM_006206.6(PDGFRA):c.2747C>A (p.Ala916Asp)

Gene: PDGFRA (platelet derived growth factor receptor alpha; plus strand). Cytogenetic location: 4q12.
Variant type: single nucleotide variant.
Coding change: c.2747C>A on transcript NM_006206.6 (MANE Select); coding-DNA position 2747, C replaced by A.
Protein change: p.Ala916Asp; replaces alanine 916 with aspartic acid.
Molecular consequence: missense variant.
Genome position (GRCh38, 1-based): chr4:54,288,871, C>A. VCF-style: chr4-54288871-C-A. GRCh37 (hg19) VCF-style: chr4-55155038-C-A.
Other names: c.2822C>A, p.Ala941Asp (NM_001347828.2); c.2747C>A, p.Ala916Asp (NM_001347829.2); c.2786C>A, p.Ala929Asp (NM_001347830.2); short protein forms A916D, A929D, A941D.
Identifiers: ClinVar variation 1063755 (VCV001063755.12), dbSNP rs1403858596, ClinGen allele CA356895565.

ClinVar aggregate classification (germline): Uncertain significance. Review status: criteria provided, multiple submitters, no conflicts (2 of 4 stars). 2 submissions from 2 submitters: Uncertain significance (2). Last evaluated 2025-11-24.

Conditions:
Hereditary cancer-predisposing syndrome. Also called: Tumor predisposition; Neoplastic Syndromes, Hereditary; Hereditary neoplastic syndrome; Hereditary Cancer Syndrome. Identifiers: Orphanet 140162, MedGen C0027672, MeSH D009386, MONDO:0015356.
Gastrointestinal stromal tumor. Also called: Gastrointestinal stromal tumor, somatic; Gastrointestinal stroma tumor. Identifiers: Orphanet 44890, MedGen C0238198, MeSH D046152, MONDO:0011719, OMIM 606764, HP:0100723.

Allele frequency attached by ClinVar (database versions not stated): gnomAD 0.00001.

Submissions (2):

Labcorp Genetics (formerly Invitae), Labcorp
Classification: Uncertain significance for Gastrointestinal stromal tumor. Last evaluated: 2025-11-24. Review status: criteria provided, single submitter. Criteria: Invitae Variant Classification Sherloc (09022015). Collection method: clinical testing. Allele origin: germline.
Comment: This sequence change replaces alanine, which is neutral and non-polar, with aspartic acid, which is acidic and polar, at codon 916 of the PDGFRA protein (p.Ala916Asp). This variant is not present in population databases (gnomAD no frequency). This variant has not been reported in the literature in individuals affected with PDGFRA-related conditions. ClinVar contains an entry for this variant (Variation ID: 1063755). Invitae Evidence Modeling of protein sequence and biophysical properties (such as structural, functional, and spatial information, amino acid conservation, physicochemical variation, residue mobility, and thermodynamic stability) indicates that this missense variant is not expected to disrupt PDGFRA protein function with a negative predictive value of 80%. In summary, the available evidence is currently insufficient to determine the role of this variant in disease. Therefore, it has been classified as a Variant of Uncertain Significance.

Ambry Genetics
Classification: Uncertain significance for Hereditary cancer-predisposing syndrome. Last evaluated: 2024-04-09. Review status: criteria provided, single submitter. Criteria: Ambry Variant Classification Scheme 2023. Collection method: clinical testing. Allele origin: germline.
Comment: The p.A916D variant (also known as c.2747C>A), located in coding exon 19 of the PDGFRA gene, results from a C to A substitution at nucleotide position 2747. The alanine at codon 916 is replaced by aspartic acid, an amino acid with dissimilar properties. This amino acid position is conserved. In addition, the in silico prediction for this alteration is inconclusive. Since supporting evidence is limited at this time, the clinical significance of this alteration remains unclear.